The following is an entry in ClinVar:

NM_001845.6(COL4A1):c.2144G>T (p.Arg715Leu)

Gene: COL4A1 (collagen type IV alpha 1 chain; minus strand). Cytogenetic location: 13q34.
Variant type: single nucleotide variant.
Coding change: c.2144G>T on transcript NM_001845.6 (MANE Select); coding-DNA position 2144, G replaced by T.
Protein change: p.Arg715Leu; replaces arginine 715 with leucine.
Molecular consequence: missense variant.
Genome position (GRCh38, 1-based): chr13:110,181,341, C>A on the plus strand (G>T on the coding strand, the complement: COL4A1 is on the minus strand). VCF-style: chr13-110181341-C-A. GRCh37 (hg19) VCF-style: chr13-110833688-C-A.
Other names: c.2144G>T (NM_001845.4); short protein forms R715L.
Identifiers: ClinVar variation 1545194 (VCV001545194.15), dbSNP rs199573161, ClinGen allele CA7047689.

ClinVar aggregate classification (germline): Conflicting classifications of pathogenicity. Review status: criteria provided, conflicting classifications (1 of 4 stars). 4 submissions from 4 submitters: Uncertain significance (1); Likely benign (3). Last evaluated 2026-03-01.

gnomAD v4.1: 115 of 1,613,508 alleles (0.0071%); highest among the groups gnomAD compares: Middle Eastern, 0.016%; no homozygotes.

Submissions (4):

CeGaT Center for Human Genetics Tuebingen
Classification: Likely benign. Last evaluated: 2026-03-01. Review status: criteria provided, single submitter. Criteria: CeGaT Center For Human Genetics Tuebingen Variant Classification Criteria Version 2. Collection method: clinical testing. Allele origin: germline. Affected: yes. Observed: 1 variant allele.
Comment: COL4A1: BP4

Labcorp Genetics (formerly Invitae), Labcorp
Classification: Likely benign. Last evaluated: 2026-02-01. Review status: criteria provided, single submitter. Criteria: Invitae Variant Classification Sherloc (09022015). Collection method: clinical testing. Allele origin: germline.

GeneDx
Classification: Uncertain significance. Last evaluated: 2025-08-11. Review status: criteria provided, single submitter. Criteria: GeneDx Variant Classification Process June 2021. Collection method: clinical testing. Allele origin: germline. Affected: yes.
Comment: In silico analysis suggests that this missense variant does not alter protein structure/function; Occurs in the triple helical domain at the X position in the canonical Gly-X-Y repeat; although this variant may have an effect on normal protein folding and function, missense substitution at the X position is not a common mechanism of disease; Has not been previously published as pathogenic or benign to our knowledge

Blueprint Genetics
Classification: Likely benign. Last evaluated: 2024-08-28. Review status: criteria provided, single submitter. Criteria: ACMG Guidelines, 2015. Collection method: clinical testing. Allele origin: germline.